The following is an entry in ClinVar:

ClinVar aggregate classification (germline): Benign. Review status: criteria provided, multiple submitters, no conflicts (2 of 4 stars). 2 submissions from 2 submitters: Benign (2). Last evaluated 2018-01-13.

Conditions:
Cortical dysplasia-focal epilepsy syndrome (PTHSL1). Also called: Pitt-Hopkins-like syndrome 1. Identifiers: Orphanet 163681, Orphanet 221150, MedGen C2750246, MONDO:0012400, OMIM 610042.

Allele frequency attached by ClinVar (database versions not stated): gnomAD 0.34059 and 0.34895; TOPMed 0.36512; 1000 Genomes Project 30x 0.38039; 1000 Genomes Project 0.38598.

Submissions (2):

Illumina Laboratory Services, Illumina
Classification: Benign for Cortical dysplasia-focal epilepsy syndrome. Last evaluated: 2018-01-13. Review status: criteria provided, single submitter. Criteria: ICSL Variant Classification Criteria 13 December 2019. Collection method: clinical testing. Allele origin: germline.
Comment: This variant was observed in the ICSL laboratory as part of a predisposition screen in an ostensibly healthy population. It had not been previously curated by ICSL or reported in the Human Gene Mutation Database (HGMD: prior to June 1st, 2018), and was therefore a candidate for classification through an automated scoring system. Utilizing variant allele frequency, disease prevalence and penetrance estimates, and inheritance mode, an automated score was calculated to assess if this variant is too frequent to cause the disease. Based on the score and internal cut-off values, a variant classified as benign is not then subjected to further curation. The score for this variant resulted in a classification of benign for this disease.

Breakthrough Genomics
Classification: Benign. Review status: criteria provided, single submitter. Criteria: ACMG Guidelines, 2015. Collection method: not provided. Allele origin: germline. Inheritance: Autosomal recessive inheritance. Affected: yes.

NM_014141.6(CNTNAP2):c.*4934C>T

Gene: CNTNAP2 (contactin associated protein 2; plus strand). Cytogenetic location: 7q36.1.
Variant type: single nucleotide variant.
Coding change: c.*4934C>T on transcript NM_014141.6 (MANE Select); 4934 bases downstream of the stop codon, C replaced by T.
Molecular consequence: 3 prime UTR variant.
Genome position (GRCh38, 1-based): chr7:148,420,550, C>T. VCF-style: chr7-148420550-C-T. GRCh37 (hg19) VCF-style: chr7-148117642-C-T.
Identifiers: ClinVar variation 359273 (VCV000359273.7), dbSNP rs2530310, ClinGen allele CA10625477.